The following is an entry in ClinVar:

NM_004006.3(DMD):c.381_383del (p.Ile127del)

Gene: DMD (dystrophin; minus strand). Cytogenetic location: Xp21.1.
Variant type: Deletion.
Coding change: c.381_383del on transcript NM_004006.3 (MANE Select); coding-DNA positions 381 to 383, 3 bases deleted (CAT; older notation c.381_383delCAT).
Protein change: p.Ile127del; deletes isoleucine 127.
Molecular consequence: inframe deletion.
Genome position (GRCh38, 1-based): chrX:32,816,615-32,816,617, ATG deleted on the plus strand (CAT on the coding strand, the reverse complement: DMD is on the minus strand); deleting any 3 consecutive bases within chrX:32,816,615-32,816,619 gives the same sequence; the c. name uses the placement nearest the transcript's 3' end. VCF-style (leftmost placement, unchanged base first): chrX-32816614-CATG-C. GRCh37 (hg19) VCF-style: chrX-32834731-CATG-C.
Other names: c.357_359del, p.Ile119del (NM_000109.4); c.369_371del, p.Ile123del (NM_004009.3); c.12_14del, p.Ile4del (NM_004010.3); short protein forms I119del, I123del, I127del, I4del.
Identifiers: ClinVar variation 4884033 (VCV004884033.2).

ClinVar aggregate classification (germline): Uncertain significance (1 of 4 stars; one submission).

Submission:

Dasa
Classification: Uncertain significance. Last evaluated: 2025-06-28. Review status: criteria provided, single submitter. Criteria: DASA Assertion Criteria. Collection method: clinical testing. Allele origin: germline.
Comment: NM_004006.3(DMD):c.381_383del (p.Ile127del) is an in-frame deletion predicted to remove isoleucine at protein position 127 without shifting the reading frame. This variant is rare in population databases. The currently available literature and clinical evidence are not sufficient to establish a definitive association between this variant and the reported condition. Therefore, this variant is classified as a variant of uncertain significance.